The following is an entry in ClinVar:

ClinVar aggregate classification (germline): Uncertain significance. Review status: criteria provided, multiple submitters, no conflicts (2 of 4 stars). 3 submissions from 3 submitters: Uncertain significance (2). 1 of the submissions does not count toward it. Last evaluated 2022-01-14.

Conditions:
Abetalipoproteinaemia (ABL). Also called: MTP DEFICIENCY; Abetalipoproteinemia; Abetalipoproteinemia neuropathy; Apolipoprotein B deficiency; Congenital betalipoprotein deficiency syndrome. Identifiers: Orphanet 14, MedGen C0000744, MONDO:0008692, OMIM 200100, HP:0008181.

Allele frequency attached by ClinVar (database versions not stated): gnomAD exomes below 0.00001; gnomAD 0.00001; TOPMed 0.00001; ESP Exome Variant Server 0.00015.

Submissions (3):

New York Genome Center
Classification: Uncertain significance for Abetalipoproteinaemia. Last evaluated: 2022-01-14. Review status: criteria provided, single submitter. Criteria: NYGC Assertion Criteria 2020. Collection method: clinical testing. Allele origin: germline. Observed: 1 heterozygote.

Labcorp Genetics (formerly Invitae), Labcorp
Classification: Uncertain significance. Last evaluated: 2021-09-05. Review status: criteria provided, single submitter. Criteria: Invitae Variant Classification Sherloc (09022015). Collection method: clinical testing. Allele origin: germline.
Comment: This sequence change replaces asparagine with serine at codon 442 of the MTTP protein (p.Asn442Ser). The asparagine residue is weakly conserved and there is a small physicochemical difference between asparagine and serine. This variant is not present in population databases (ExAC no frequency). This variant has not been reported in the literature in individuals affected with MTTP-related conditions. Algorithms developed to predict the effect of missense changes on protein structure and function output the following: SIFT: "Tolerated"; PolyPhen-2: "Benign"; Align-GVGD: "Class C0". The serine amino acid residue is found in multiple mammalian species, which suggests that this missense change does not adversely affect protein function. In summary, the available evidence is currently insufficient to determine the role of this variant in disease. Therefore, it has been classified as a Variant of Uncertain Significance.

Natera, Inc.
Classification: Uncertain significance for Abetalipoproteinemia. Last evaluated: 2020-10-25. Review status: no assertion criteria provided. Collection method: clinical testing. Allele origin: germline. Not counted in ClinVar's aggregate classification.

NM_001386140.1(MTTP):c.1325A>G (p.Asn442Ser)

Gene: MTTP (microsomal triglyceride transfer protein; plus strand). Cytogenetic location: 4q23.
Variant type: single nucleotide variant.
Coding change: c.1325A>G on transcript NM_001386140.1 (MANE Select); coding-DNA position 1325, A replaced by G.
Protein change: p.Asn442Ser; replaces asparagine 442 with serine.
Molecular consequence: missense variant.
Genome position (GRCh38, 1-based): chr4:99,601,695, A>G. VCF-style: chr4-99601695-A-G. GRCh37 (hg19) VCF-style: chr4-100522852-A-G.
Other names: c.1325A>G, p.Asn442Ser (NM_000253.4); c.1076A>G, p.Asn359Ser (NM_001300785.2); c.1325A>G (NM_000253.3); short protein forms N359S, N442S.
Identifiers: ClinVar variation 1038651 (VCV001038651.4), dbSNP rs368711749, ClinGen allele CA102632364.